The following is an entry in ClinVar:

NM_000282.4(PCCA):c.611A>G (p.Glu204Gly)

Gene: PCCA (propionyl-CoA carboxylase subunit alpha; plus strand). Cytogenetic location: 13q32.3.
Variant type: single nucleotide variant.
Coding change: c.611A>G on transcript NM_000282.4 (MANE Select); coding-DNA position 611, A replaced by G.
Protein change: p.Glu204Gly; replaces glutamic acid 204 with glycine.
Molecular consequence: missense variant. On other transcripts: 5 prime UTR variant (3), non-coding transcript variant (5).
Genome position (GRCh38, 1-based): chr13:100,235,852, A>G. VCF-style: chr13-100235852-A-G. GRCh37 (hg19) VCF-style: chr13-100888106-A-G.
Other names: c.533A>G, p.Glu178Gly (NM_001127692.3, NM_001352607.2, NM_001352608.2); c.611A>G, p.Glu204Gly (NM_001178004.2, NM_001352605.2, NM_001352606.2 and 1 more transcripts); c.-256A>G (NM_001352610.2, NM_001352611.2, NM_001352612.2); short protein forms E204G, E178G.
Identifiers: ClinVar variation 1997367 (VCV001997367.4), dbSNP rs766876474, ClinGen allele CA388693962.

ClinVar aggregate classification (germline): Uncertain significance (1 of 4 stars; one submission).

Conditions:
Propionic acidemia (PROP). Also called: GLYCINEMIA, KETOTIC; HYPERGLYCINEMIA WITH KETOACIDOSIS AND LEUKOPENIA; KETOTIC HYPERGLYCINEMIA. Identifiers: Orphanet 35, MedGen C0268579, MONDO:0011628, OMIM 606054, HP:0003571.

Submission:

Labcorp Genetics (formerly Invitae), Labcorp
Classification: Uncertain significance for Propionic acidemia. Last evaluated: 2022-01-05. Review status: criteria provided, single submitter. Criteria: Invitae Variant Classification Sherloc (09022015). Collection method: clinical testing. Allele origin: germline.
Comment: This variant is not present in population databases (gnomAD no frequency). In summary, the available evidence is currently insufficient to determine the role of this variant in disease. Therefore, it has been classified as a Variant of Uncertain Significance. Advanced modeling of protein sequence and biophysical properties (such as structural, functional, and spatial information, amino acid conservation, physicochemical variation, residue mobility, and thermodynamic stability) performed at Invitae indicates that this missense variant is expected to disrupt PCCA protein function. This variant has not been reported in the literature in individuals affected with PCCA-related conditions. This sequence change replaces glutamic acid, which is acidic and polar, with glycine, which is neutral and non-polar, at codon 204 of the PCCA protein (p.Glu204Gly).